The following is an entry in ClinVar:

NM_007078.3(LDB3):c.147G>A (p.Val49=)

Gene: LDB3 (LIM domain binding 3; plus strand). Cytogenetic location: 10q23.2.
Variant type: single nucleotide variant.
Coding change: c.147G>A on transcript NM_007078.3 (MANE Select); coding-DNA position 147, G replaced by A.
Protein change: p.Val49=; no amino-acid change (valine 49 retained).
Molecular consequence: synonymous variant.
Genome position (GRCh38, 1-based): chr10:86,679,420, G>A. VCF-style: chr10-86679420-G-A. GRCh37 (hg19) VCF-style: chr10-88439177-G-A.
Other names: p.V49V:GTG>GTA; p.Val49=; c.147G>A, p.Val49= (NM_001080116.1, NM_001080114.2, NM_001080115.2 and 8 more transcripts).
Identifiers: ClinVar variation 45524 (VCV000045524.67), dbSNP rs45591834, ClinGen allele CA282592.

ClinVar aggregate classification (germline): Benign/Likely benign. Review status: criteria provided, multiple submitters, no conflicts (2 of 4 stars). 18 submissions from 18 submitters: Benign (7); Likely benign (6). 5 of the submissions do not count toward it. Last evaluated 2026-07-01.

Conditions:
LDB3-related disorder. Also called: LDB3-related condition.
Cardiovascular phenotype. Identifiers: MedGen CN230736.
Cardiomyopathy (CMYO). Also called: Cardiomyopathies. Identifiers: Orphanet 167848, MedGen C0878544, MONDO:0004994, HP:0001638. Inheritance: Various modes of inheritance.
Myofibrillar myopathy 4. Also called: Zaspopathy (type). Identifiers: Orphanet 98912, MedGen C4721886, MONDO:0012277, OMIM 609452.

Allele frequency attached by ClinVar (database versions not stated): ExAC 0.00270; gnomAD 0.00309 and 0.00312; 1000 Genomes Project 0.00080; gnomAD exomes 0.00298; 1000 Genomes Project 30x 0.00109; ESP Exome Variant Server 0.00261; TOPMed 0.00299.
gnomAD v4.1: 6,468 of 1,614,180 alleles (0.4%); highest among the groups gnomAD compares: Non-Finnish European, 0.47%; 23 homozygotes.

Submissions (18):

CeGaT Center for Human Genetics Tuebingen
Classification: Likely benign. Last evaluated: 2026-07-01. Review status: criteria provided, single submitter. Criteria: CeGaT Center For Human Genetics Tuebingen Variant Classification Criteria Version 2. Collection method: clinical testing. Allele origin: germline. Affected: yes. Observed: 14 variant alleles.
Comment: LDB3: BP4, BS2

Labcorp Genetics (formerly Invitae), Labcorp
Classification: Benign for Myofibrillar myopathy 4. Last evaluated: 2026-02-03. Review status: criteria provided, single submitter. Criteria: Invitae Variant Classification Sherloc (09022015). Collection method: clinical testing. Allele origin: germline.

ARUP Laboratories, Molecular Genetics and Genomics, ARUP Laboratories
Classification: Benign. Last evaluated: 2025-01-29. Review status: criteria provided, single submitter. Criteria: ARUP Molecular Germline Variant Investigation Process 2024. Collection method: clinical testing. Allele origin: germline.

Blueprint Genetics
Classification: Likely benign. Last evaluated: 2024-11-14. Review status: criteria provided, single submitter. Criteria: ACMG Guidelines, 2015. Collection method: clinical testing. Allele origin: germline.

Mayo Clinic Laboratories, Mayo Clinic
Classification: Benign. Last evaluated: 2024-06-03. Review status: criteria provided, single submitter. Criteria: ACMG Guidelines, 2015. Collection method: clinical testing. Allele origin: germline. Observed: 15 variant alleles.

Women's Health and Genetics/Laboratory Corporation of America, LabCorp
Classification: Benign. Last evaluated: 2021-03-11. Review status: criteria provided, single submitter. Criteria: LabCorp Variant Classification Summary - May 2015. Collection method: clinical testing. Allele origin: germline.
Comment: Variant summary: LDB3 c.147G>A alters a conserved nucleotide resulting in a synonymous change. 4/4 computational tools predict no significant impact on normal splicing. However, these predictions have yet to be confirmed by functional studies. The variant allele was found at a frequency of 0.003 in 251426 control chromosomes in the gnomAD database, including 6 homozygotes. The observed variant frequency is approximately 119 fold of the estimated maximal expected allele frequency for a pathogenic variant in LDB3 causing Cardiomyopathy phenotype (2.5e-05), strongly suggesting that the variant is benign. To our knowledge, no occurrence of c.147G>A in individuals affected with Cardiomyopathy and no experimental evidence demonstrating its impact on protein function have been reported. Co-occurrence with another likely pathogenic variant has been reported (TTN c.43732C>T, p.Gln14578Ter) in our internal database, providing supporting evidence for a benign role. Four ClinVar submitters (evaluation after 2014) cite the variant as likely benign/benign. Based on the evidence outlined above, the variant was classified as benign.

Ambry Genetics
Classification: Likely benign for Cardiovascular phenotype. Last evaluated: 2015-12-03. Review status: criteria provided, single submitter. Criteria: Ambry Variant Classification Scheme 2023. Collection method: clinical testing. Allele origin: germline.

CHEO Genetics Diagnostic Laboratory, Children's Hospital of Eastern Ontario
Classification: Benign for Cardiomyopathy. Last evaluated: 2015-10-16. Review status: criteria provided, single submitter. Criteria: ACMG Guidelines, 2015. Collection method: clinical testing. Allele origin: germline. Study: Canadian Open Genetics Repository.

Eurofins Ntd Llc (ga)
Classification: Likely benign. Last evaluated: 2015-09-17. Review status: criteria provided, single submitter. Criteria: EGL Classification Definitions 2015. Collection method: clinical testing. Allele origin: germline. Observed: 1 variant allele, 1 heterozygote.

GeneDx
Classification: Benign. Last evaluated: 2014-03-14. Review status: criteria provided, single submitter. Criteria: GeneDx Variant Classification (06012015). Collection method: clinical testing. Allele origin: germline. Affected: yes.
Comment: This variant is considered likely benign or benign based on one or more of the following criteria: it is a conservative change, it occurs at a poorly conserved position in the protein, it is predicted to be benign by multiple in silico algorithms, and/or has population frequency not consistent with disease.

Laboratory for Molecular Medicine, Mass General Brigham Personalized Medicine
Classification: Benign. Last evaluated: 2012-04-19. Review status: criteria provided, single submitter. Criteria: LMM Criteria. Collection method: clinical testing. Allele origin: germline. Observed: 22 variant alleles.
Comment: Val49Val in Exon 02 of LDB3: This variant is not expected to have clinical signi ficance because it does not alter an amino acid residue, is not located within t he splice consensus sequence and has been identified in 0.4% (27/7020) of Europe an American chromosomes from a broad population by the NHLBI Exome Sequencing Pr oject (dbSNP rs45591834).

Breakthrough Genomics
Classification: Likely benign. Review status: criteria provided, single submitter. Criteria: ACMG Guidelines, 2015. Collection method: not provided. Allele origin: germline. Inheritance: Autosomal dominant inheritance. Affected: yes.

Molecular Diagnostic Laboratory for Inherited Cardiovascular Disease, Montreal Heart Institute
Classification: Likely benign. Review status: criteria provided, single submitter. Criteria: ACMG Guidelines, 2015. Collection method: clinical testing. Allele origin: germline. Affected: yes.

PreventionGenetics, part of Exact Sciences
Classification: Benign for LDB3-related condition. Last evaluated: 2022-11-14. Review status: no assertion criteria provided. Collection method: clinical testing. Allele origin: germline. Not counted in ClinVar's aggregate classification.
Comment: This variant is classified as benign based on ACMG/AMP sequence variant interpretation guidelines (Richards et al. 2015 PMID: 25741868, with internal and published modifications).

Clinical Genetics, Academic Medical Center
Classification: Benign. Review status: no assertion criteria provided. Collection method: clinical testing. Allele origin: germline. Affected: yes. Study: VKGL Data-share Consensus. Not counted in ClinVar's aggregate classification.

Diagnostic Laboratory, Department of Genetics, University Medical Center Groningen
Classification: Likely benign. Review status: no assertion criteria provided. Collection method: clinical testing. Allele origin: germline. Affected: yes. Study: VKGL Data-share Consensus. Not counted in ClinVar's aggregate classification.

Genome Diagnostics Laboratory, University Medical Center Utrecht
Classification: Likely benign. Review status: no assertion criteria provided. Collection method: clinical testing. Allele origin: germline. Affected: yes. Study: VKGL Data-share Consensus. Not counted in ClinVar's aggregate classification.

Joint Genome Diagnostic Labs from Nijmegen and Maastricht, Radboudumc and MUMC+
Classification: Benign. Review status: no assertion criteria provided. Collection method: clinical testing. Allele origin: germline. Affected: yes. Study: VKGL Data-share Consensus. Not counted in ClinVar's aggregate classification.